The following is an entry in ClinVar:

ClinVar aggregate classification (germline): Uncertain significance (1 of 4 stars; one submission).

Conditions:
Chédiak-Higashi syndrome (CHS). Also called: Chediak-Higashi Syndrome. Identifiers: Orphanet 167, MedGen C0007965, MONDO:0008963, OMIM 214500.

Submission:

Labcorp Genetics (formerly Invitae), Labcorp
Classification: Uncertain significance for Chédiak-Higashi syndrome. Last evaluated: 2022-08-06. Review status: criteria provided, single submitter. Criteria: Invitae Variant Classification Sherloc (09022015). Collection method: clinical testing. Allele origin: germline.
Comment: This sequence change replaces phenylalanine, which is neutral and non-polar, with cysteine, which is neutral and slightly polar, at codon 2698 of the LYST protein (p.Phe2698Cys). This variant is not present in population databases (gnomAD no frequency). In summary, the available evidence is currently insufficient to determine the role of this variant in disease. Therefore, it has been classified as a Variant of Uncertain Significance. Algorithms developed to predict the effect of missense changes on protein structure and function output the following: SIFT: "Tolerated"; PolyPhen-2: "Benign"; Align-GVGD: "Class C0". The cysteine amino acid residue is found in multiple mammalian species, which suggests that this missense change does not adversely affect protein function. This variant has not been reported in the literature in individuals affected with LYST-related conditions.

NM_000081.4(LYST):c.8093T>G (p.Phe2698Cys)

Gene: LYST (lysosomal trafficking regulator; minus strand). Cytogenetic location: 1q42.3.
Variant type: single nucleotide variant.
Coding change: c.8093T>G on transcript NM_000081.4 (MANE Select); coding-DNA position 8093, T replaced by G.
Protein change: p.Phe2698Cys; replaces phenylalanine 2698 with cysteine.
Molecular consequence: missense variant.
Genome position (GRCh38, 1-based): chr1:235,744,037, A>C on the plus strand (T>G on the coding strand, the complement: LYST is on the minus strand). VCF-style: chr1-235744037-A-C. GRCh37 (hg19) VCF-style: chr1-235907337-A-C.
Other names: c.8093T>G, p.Phe2698Cys (NM_001301365.1); short protein forms F2698C.
Identifiers: ClinVar variation 1715315 (VCV001715315.4), dbSNP rs2527646354, ClinGen allele CA344924793.